The following is an entry in ClinVar:

ClinVar aggregate classification (germline): Uncertain significance. Review status: criteria provided, multiple submitters, no conflicts (2 of 4 stars). 3 submissions from 3 submitters: Uncertain significance (3). Last evaluated 2025-11-06.

Conditions:
Hereditary cancer-predisposing syndrome. Also called: Hereditary Cancer Syndrome; Hereditary neoplastic syndrome; Tumor predisposition; Neoplastic Syndromes, Hereditary. Identifiers: Orphanet 140162, MedGen C0027672, MeSH D009386, MONDO:0015356.
Hereditary nonpolyposis colorectal neoplasms. Identifiers: MedGen C0009405, MeSH D003123.

Submissions (3):

Color Diagnostics, LLC DBA Color Health
Classification: Uncertain significance for Hereditary cancer-predisposing syndrome. Last evaluated: 2025-11-06. Review status: criteria provided, single submitter. Criteria: ACMG Guidelines, 2015. Collection method: clinical testing. Allele origin: germline.
Comment: This missense variant replaces alanine with serine at codon 821 of the PMS2 protein. Computational prediction suggests that this variant may not impact protein structure and function. To our knowledge, functional studies have not been reported for this variant. This variant has not been reported in individuals affected with PMS2-related disorders in the literature. This variant has not been identified in the general population by the Genome Aggregation Database (gnomAD). The available evidence is insufficient to determine the role of this variant in disease conclusively. Therefore, this variant is classified as a Variant of Uncertain Significance.

Labcorp Genetics (formerly Invitae), Labcorp
Classification: Uncertain significance for Hereditary nonpolyposis colorectal neoplasms. Last evaluated: 2024-03-03. Review status: criteria provided, single submitter. Criteria: Invitae Variant Classification Sherloc (09022015). Collection method: clinical testing. Allele origin: germline.
Comment: This sequence change replaces alanine, which is neutral and non-polar, with serine, which is neutral and polar, at codon 821 of the PMS2 protein (p.Ala821Ser). The frequency data for this variant in the population databases (gnomAD) is considered unreliable due to the presence of homologous sequence, such as pseudogenes or paralogs, in the genome. This variant has not been reported in the literature in individuals affected with PMS2-related conditions. ClinVar contains an entry for this variant (Variation ID: 1791644). Advanced modeling of protein sequence and biophysical properties (such as structural, functional, and spatial information, amino acid conservation, physicochemical variation, residue mobility, and thermodynamic stability) has been performed at Invitae for this missense variant, however the output from this modeling did not meet the statistical confidence thresholds required to predict the impact of this variant on PMS2 protein function. In summary, the available evidence is currently insufficient to determine the role of this variant in disease. Therefore, it has been classified as a Variant of Uncertain Significance.

Ambry Genetics
Classification: Uncertain significance for Hereditary cancer-predisposing syndrome. Last evaluated: 2022-03-07. Review status: criteria provided, single submitter. Criteria: Ambry Variant Classification Scheme 2023. Collection method: clinical testing. Allele origin: germline.
Comment: The p.A821S variant (also known as c.2461G>T), located in coding exon 15 of the PMS2 gene, results from a G to T substitution at nucleotide position 2461. The alanine at codon 821 is replaced by serine, an amino acid with similar properties. This amino acid position is conserved. In addition, the in silico prediction for this alteration is inconclusive. Since supporting evidence is limited at this time, the clinical significance of this alteration remains unclear.

NM_000535.7(PMS2):c.2461G>T (p.Ala821Ser)

Gene: PMS2 (PMS1 homolog 2, mismatch repair system component; minus strand). Cytogenetic location: 7p22.1.
Variant type: single nucleotide variant.
Coding change: c.2461G>T on transcript NM_000535.7 (MANE Select); coding-DNA position 2461, G replaced by T.
Protein change: p.Ala821Ser; replaces alanine 821 with serine.
Molecular consequence: missense variant. On other transcripts: non-coding transcript variant (1).
Genome position (GRCh38, 1-based): chr7:5,973,527, C>A on the plus strand (G>T on the coding strand, the complement: PMS2 is on the minus strand). VCF-style: chr7-5973527-C-A. GRCh37 (hg19) VCF-style: chr7-6013158-C-A.
Other names: c.2152G>T, p.Ala718Ser (NM_001406882.1, NM_001322015.2, NM_001406877.1 and 4 more transcripts); c.2143G>T, p.Ala715Ser (NM_001406883.1, NM_001322007.2, NM_001322008.2); c.2137G>T, p.Ala713Ser (NM_001406884.1); c.2125G>T, p.Ala709Ser (NM_001406885.1); c.2095G>T, p.Ala699Ser (NM_001406886.1); c.2089G>T, p.Ala697Ser (NM_001406887.1, NM_001406888.1, NM_001322009.2); c.2056G>T, p.Ala686Ser (NM_001406889.1, NM_001406890.1, NM_001406891.1 and 12 more transcripts); c.1996G>T, p.Ala666Ser (NM_001406900.1); and 20 more; short protein forms A564S, A659S, A699S, A765S, A769S, A780S, A650S, A666S.
Identifiers: ClinVar variation 1791644 (VCV001791644.6), dbSNP rs2128659024, ClinGen allele CA366735015.